The following is an entry in ClinVar:

ClinVar aggregate classification (germline): Uncertain significance (1 of 4 stars; one submission).

Allele frequency attached by ClinVar (database versions not stated): gnomAD 0.00001.
gnomAD v4.1: 2 of 1,613,706 alleles (0.00012%); highest among the groups gnomAD compares: Non-Finnish European, 0.00017%; no homozygotes.

Submission:

Labcorp Genetics (formerly Invitae), Labcorp
Classification: Uncertain significance. Last evaluated: 2022-07-05. Review status: criteria provided, single submitter. Criteria: Invitae Variant Classification Sherloc (09022015). Collection method: clinical testing. Allele origin: germline.
Comment: In summary, the available evidence is currently insufficient to determine the role of this variant in disease. Therefore, it has been classified as a Variant of Uncertain Significance. Advanced modeling of protein sequence and biophysical properties (such as structural, functional, and spatial information, amino acid conservation, physicochemical variation, residue mobility, and thermodynamic stability) performed at Invitae indicates that this missense variant is not expected to disrupt FAT4 protein function. ClinVar contains an entry for this variant (Variation ID: 1391536). This variant has not been reported in the literature in individuals affected with FAT4-related conditions. This variant is not present in population databases (gnomAD no frequency). This sequence change replaces arginine, which is basic and polar, with threonine, which is neutral and polar, at codon 2948 of the FAT4 protein (p.Arg2948Thr).

NM_001291303.3(FAT4):c.8849G>C (p.Arg2950Thr)

Gene: FAT4 (FAT atypical cadherin 4; plus strand). Cytogenetic location: 4q28.1.
Variant type: single nucleotide variant.
Coding change: c.8849G>C on transcript NM_001291303.3 (MANE Select); coding-DNA position 8849, G replaced by C.
Protein change: p.Arg2950Thr; replaces arginine 2950 with threonine.
Molecular consequence: missense variant.
Genome position (GRCh38, 1-based): chr4:125,449,859, G>C. VCF-style: chr4-125449859-G-C. GRCh37 (hg19) VCF-style: chr4-126371014-G-C.
Other names: c.8849G>C, p.Arg2950Thr (NM_001291285.3); c.8843G>C, p.Arg2948Thr (NM_024582.6); short protein forms R2948T, R2950T.
Identifiers: ClinVar variation 1391536 (VCV001391536.6), dbSNP rs924710061, ClinGen allele CA358147993.